The following is an entry in ClinVar:

ClinVar aggregate classification (germline): Uncertain significance. Review status: criteria provided, single submitter (1 of 4 stars). 2 submissions from 2 submitters: Uncertain significance (1). 1 of the submissions does not count toward it. Last evaluated 2025-03-02.

Conditions:
Familial adenomatous polyposis 1 (FAP1). Also called: POLYPOSIS, ADENOMATOUS INTESTINAL; FAMILIAL ADENOMATOUS POLYPOSIS 1, ATTENUATED. Identifiers: MedGen C2713442, MONDO:0021056, OMIM 175100. Disease mechanism: loss of function.

Allele frequency attached by ClinVar (database versions not stated): gnomAD 0.00001; gnomAD exomes below 0.00001; TOPMed 0.00001.

Submissions (2):

Labcorp Genetics (formerly Invitae), Labcorp
Classification: Uncertain significance for Familial adenomatous polyposis 1. Last evaluated: 2025-03-02. Review status: criteria provided, single submitter. Criteria: Invitae Variant Classification Sherloc (09022015). Collection method: clinical testing. Allele origin: germline.
Comment: This variant occurs in a non-coding region of the APC gene. It does not change the encoded amino acid sequence of the APC protein. This variant is not present in population databases (gnomAD no frequency). This variant has not been reported in the literature in individuals affected with APC-related conditions. ClinVar contains an entry for this variant (Variation ID: 371850). Experimental studies and prediction algorithms are not available or were not evaluated, and the functional significance of this variant is currently unknown. In summary, the available evidence is currently insufficient to determine the role of this variant in disease. Therefore, it has been classified as a Variant of Uncertain Significance.

Counsyl
Classification: Uncertain significance for Familial adenomatous polyposis 1. Last evaluated: 2016-05-12. Review status: no assertion criteria provided. Collection method: clinical testing. Allele origin: unknown. Not counted in ClinVar's aggregate classification.

NM_001127511.3(APC):c.3G>A (p.Met1Ile)

Gene: APC (APC regulator of Wnt signaling pathway; plus strand). Cytogenetic location: 5q22.2.
Variant type: single nucleotide variant.
Coding change: c.3G>A on transcript NM_001127511.3; coding-DNA position 3, G replaced by A.
Protein change: p.Met1Ile; changes the start codon (methionine 1).
Molecular consequence: missense variant, initiator codon variant. On other transcripts: 5 prime UTR variant (8), non-coding transcript variant (1), intron variant (5).
Genome position (GRCh38, 1-based): chr5:112,707,720, G>A. VCF-style: chr5-112707720-G-A. GRCh37 (hg19) VCF-style: chr5-112043417-G-A.
Other names: c.-181G>A (NM_001354895.2, NM_001407447.1, NM_001407452.1 and 3 more transcripts); c.3G>A, p.Met1Ile (NM_001354897.2, NM_001354902.2, NM_001407446.1); c.-1216G>A (NM_001407470.1, NM_001407472.1); c.-19+71G>A (NM_001407448.1, NM_001407450.1, NM_001407457.1 and 1 more transcripts); c.-43+71G>A (NM_001407453.1); short protein forms M1I.
Identifiers: ClinVar variation 371850 (VCV000371850.10), dbSNP rs1057517567, ClinGen allele CA16042076.
Genomic context (GRCh38, chr5:112,707,720, plus strand): 5'-TGGCTGTTGGTGAGGAAGGTGAAGCACTCAGTTGCCTTCTCGGGCCTCGGCGCCCCCTAT[G>A]TACGCCTCCCTGGGCTCGGGTCCGGTCGCCCCTTTGCCCGCTTCTGTACCACCCTCAGTT-3'